The following is an entry in ClinVar:

NM_014402.5(UQCRQ):c.211_212del (p.Lys71fs)

Gene: UQCRQ (ubiquinol-cytochrome c reductase complex III subunit VII; plus strand). Cytogenetic location: 5q31.1.
Variant type: Deletion.
Coding change: c.211_212del on transcript NM_014402.5 (MANE Select); coding-DNA positions 211 to 212, 2 bases deleted (AA; older notation c.211_212delAA).
Protein change: p.Lys71fs; shifts the reading frame from lysine 71.
Molecular consequence: frameshift variant.
Genome position (GRCh38, 1-based): chr5:132,867,544-132,867,545, AA deleted. VCF-style (leftmost placement, unchanged base first): chr5-132867543-CAA-C. GRCh37 (hg19) VCF-style: chr5-132203235-CAA-C.
Other names: short protein forms K71fs.
Identifiers: ClinVar variation 4806140 (VCV004806140.1).
Genomic context (GRCh38, chr5:132,867,543, plus strand): 5'-TAAAGAGTTTGTAGTGTTTTATCTTATCTACACATGGGGGACTGAAGAGTTCGAGAGATC[CAA>C]GAGGAAGAATCCAGCTGCCTATGAAAATGACAAATGAGCAACGCATCCGGATGACGGTTC-3'

ClinVar aggregate classification (germline): Uncertain significance (1 of 4 stars; one submission).

Submission:

Labcorp Genetics (formerly Invitae), Labcorp
Classification: Uncertain significance. Last evaluated: 2025-09-28. Review status: criteria provided, single submitter. Criteria: Invitae Variant Classification Sherloc (09022015). Collection method: clinical testing. Allele origin: germline.
Comment: This sequence change creates a premature translational stop signal (p.Lys71Glufs*8) in the UQCRQ gene. While this is not anticipated to result in nonsense mediated decay, it is expected to disrupt the last 12 amino acid(s) of the UQCRQ protein. This variant is not present in population databases (gnomAD no frequency). This variant has not been reported in the literature in individuals affected with UQCRQ-related conditions. Experimental studies and prediction algorithms are not available or were not evaluated, and the functional significance of this variant is currently unknown. In summary, the available evidence is currently insufficient to determine the role of this variant in disease. Therefore, it has been classified as a Variant of Uncertain Significance.